The following is an entry in ClinVar:

ClinVar aggregate classification (germline): Pathogenic. Review status: criteria provided, multiple submitters, no conflicts (2 of 4 stars). 2 submissions from 2 submitters: Pathogenic (2). Last evaluated 2026-06-05.

Conditions:
Peutz-Jeghers syndrome (PJS). Also called: POLYPOSIS, HAMARTOMATOUS INTESTINAL; POLYPS-AND-SPOTS SYNDROME; Peutz-Jeghers polyposis; Periorificial lentiginosis syndrome. Identifiers: Orphanet 2869, MedGen C0031269, MeSH D010580, MONDO:0008280, OMIM 175200.

Submissions (2):

Women's Health and Genetics/Laboratory Corporation of America, LabCorp
Classification: Pathogenic for Peutz-Jeghers syndrome. Last evaluated: 2026-06-05. Review status: criteria provided, single submitter. Criteria: LabCorp Variant Classification Summary - May 2015. Collection method: clinical testing. Allele origin: germline.
Comment: Variant summary: STK11 c.84_97dup14 (p.Glu33AlafsX23) results in a premature termination codon, predicted to cause a truncation of the encoded protein or absence of the protein due to nonsense mediated decay, which are commonly known mechanisms for disease. The variant was absent in 245242 control chromosomes. To our knowledge, no occurrence of c.84_97dup14 in individuals affected with STK11-related conditions and no experimental evidence demonstrating its impact on protein function have been reported. ClinVar contains an entry for this variant (Variation ID: 848427). Based on the evidence outlined above, the variant was classified as pathogenic.

Labcorp Genetics (formerly Invitae), Labcorp
Classification: Pathogenic for Peutz-Jeghers syndrome. Last evaluated: 2019-11-19. Review status: criteria provided, single submitter. Criteria: Invitae Variant Classification Sherloc (09022015). Collection method: clinical testing. Allele origin: germline.
Comment: For these reasons, this variant has been classified as Pathogenic. Loss-of-function variants in STK11 are known to be pathogenic (PMID: 15188174, 16287113). This variant has not been reported in the literature in individuals with STK11-related conditions. This variant is not present in population databases (ExAC no frequency). This sequence change creates a premature translational stop signal (p.Glu33Alafs*23) in the STK11 gene. It is expected to result in an absent or disrupted protein product.

Literature cited by the submitters: PubMed 15188174 (cited by Labcorp Genetics (formerly Invitae), Labcorp); PubMed 16287113 (cited by Labcorp Genetics (formerly Invitae), Labcorp).

NM_000455.5(STK11):c.84_97dup (p.Glu33fs)

Gene: STK11 (serine/threonine kinase 11; plus strand). Cytogenetic location: 19p13.3.
Variant type: Duplication.
Coding change: c.84_97dup on transcript NM_000455.5 (MANE Select); coding-DNA positions 84 to 97, 14 bases duplicated (CATCGACTCCACCG).
Protein change: p.Glu33fs; shifts the reading frame from glutamic acid 33.
Molecular consequence: frameshift variant.
Genome position (GRCh38, 1-based): chr19:1,206,997-1,207,010, CATCGACTCCACCG duplicated; duplicating any 14 consecutive bases within chr19:1,206,990-1,207,010 gives the same sequence; the c. name uses the placement nearest the transcript's 3' end. VCF-style (leftmost placement, unchanged base first): chr19-1206989-A-ATCCACCGCATCGAC. GRCh37 (hg19) VCF-style: chr19-1206988-A-ATCCACCGCATCGAC.
Other names: c.84_97dup14 (NM_000455.5); short protein forms E33fs.
Identifiers: ClinVar variation 848427 (VCV000848427.8), dbSNP rs2080670808, ClinGen allele CA916081937.